The following is an entry in ClinVar:

ClinVar aggregate classification (germline): Likely pathogenic. Review status: criteria provided, multiple submitters, no conflicts (2 of 4 stars). 3 submissions from 3 submitters: Likely pathogenic (2). 1 of the submissions does not count toward it. Last evaluated 2025-06-20.

Conditions:
Mulibrey nanism syndrome. Also called: MUSCLE-LIVER-BRAIN-EYE NANISM; PERHEENTUPA SYNDROME; PERICARDIAL CONSTRICTION AND GROWTH FAILURE. Identifiers: Orphanet 2576, MedGen C0524582, MONDO:0009664, OMIM 253250.

Allele frequency attached by ClinVar (database versions not stated): TOPMed below 0.00001; gnomAD exomes below 0.00001.
gnomAD v4.1: 2 of 1,614,012 alleles (0.00012%); highest among the groups gnomAD compares: South Asian, 0.0011%; no homozygotes.

Submissions (3):

Women's Health and Genetics/Laboratory Corporation of America, LabCorp
Classification: Likely pathogenic for Mulibrey nanism syndrome. Last evaluated: 2025-06-20. Review status: criteria provided, single submitter. Criteria: LabCorp Variant Classification Summary - May 2015. Collection method: clinical testing. Allele origin: germline.
Comment: Variant summary: TRIM37 c.1949-12A>G alters a nucleotide located at a position not widely known to affect splicing. However, several computational tools predict a significant impact on normal splicing: One predicts the variant abolishes a canonical 3' acceptor site and one predicts the variant weakens the 3' acceptor site. One tool also predicts the variant creates a new 3' acceptor site. At least one publication reports experimental evidence that this variant indeed affects mRNA splicing, resulting in the insertion of 11 nucleotides, causing a frameshift and the introduction of a premature termination codon (Mozzillo_2016). The variant was absent in 248484 control chromosomes. c.1949-12A>G has been observed in the compound heterozygous state in trans with a large deletion involving TRIM37 in an individual affected with Mulibrey nanism syndrome (Mozzillo_2016). The following publication has been ascertained in the context of this evaluation (PMID: 27256967). ClinVar contains an entry for this variant (Variation ID: 1096934). Based on the evidence outlined above, the variant was classified as likely pathogenic.

3billion
Classification: Likely pathogenic for Mulibrey nanism syndrome. Last evaluated: 2025-05-15. Review status: criteria provided, single submitter. Criteria: ACMG Guidelines, 2015. Collection method: clinical testing. Allele origin: germline. Affected: yes.
Comment: The variant is observed at an extremely low frequency in the gnomAD v4.1.0 dataset (total allele frequency: <0.001%). Predicted Consequence/Location: Intron variant Functional studies provide moderate evidence of the variant having a damaging effect on the gene or gene product (PMID: 27256967). In silico tools predict the variant to alter splicing and produce an abnormal transcript [SpliceAI: 0.71 (>=0.2, moderate evidence for spliceogenicity)]. The variant has been reported to be associated with TRIM37-related disorder (ClinVar ID: VCV001096934 /PMID: 27256967). However, the evidence of pathogenicity is insufficient at this time. Therefore, this variant is classified as Likely pathogenic according to the recommendation of ACMG/AMP guideline.

OMIM
Classification: Pathogenic for MULIBREY NANISM. Last evaluated: 2022-09-08. Review status: no assertion criteria provided. Collection method: literature only. Allele origin: germline. Not counted in ClinVar's aggregate classification.

Literature cited by the submitters: PubMed 27256967 (cited by Women's Health and Genetics/Laboratory Corporation of America, LabCorp and 3billion); PubMed 33042106 (cited by OMIM).

NM_015294.6(TRIM37):c.1949-12A>G

Gene: TRIM37 (tripartite motif containing 37; minus strand). Cytogenetic location: 17q22.
Variant type: single nucleotide variant.
Coding change: c.1949-12A>G on transcript NM_015294.6 (MANE Select); 12 bases into the intron before coding-DNA position 1949, A replaced by G.
Molecular consequence: intron variant.
Genome position (GRCh38, 1-based): chr17:59,028,735, T>C on the plus strand (A>G on the coding strand, the complement: TRIM37 is on the minus strand). VCF-style: chr17-59028735-T-C. GRCh37 (hg19) VCF-style: chr17-57106096-T-C.
Other names: IVS18, A-G, -12; c.1949-12A>G (NM_001320989.3, NM_001005207.5, NM_001320988.3 and 1 more transcripts); c.1487-12A>G (NM_001353085.2); c.1847-12A>G (NM_001320987.3, NM_001353082.2); c.1898-12A>G (NM_001353086.2); c.1214-12A>G (NM_001353083.2); c.1583-12A>G (NM_001320990.3).
Identifiers: ClinVar variation 1096934 (VCV001096934.6), dbSNP rs1409660715, ClinGen allele CA773551184.